The following is an entry in ClinVar:

NM_000169.3(GLA):c.155G>C (p.Cys52Ser)

Genes: GLA (galactosidase alpha; minus strand), RPL36A-HNRNPH2 (RPL36A-HNRNPH2 readthrough; plus strand). Cytogenetic location: Xq22.1.
Variant type: single nucleotide variant.
Coding change: c.155G>C on transcript NM_000169.3 (MANE Select); coding-DNA position 155, G replaced by C.
Protein change: p.Cys52Ser; replaces cysteine 52 with serine.
Molecular consequence: missense variant. On other transcripts: non-coding transcript variant (3), intron variant (2).
Genome position (GRCh38, 1-based): chrX:101,407,749, C>G on the plus strand (G>C on the coding strand, the complement: GLA is on the minus strand). VCF-style: chrX-101407749-C-G. GRCh37 (hg19) VCF-style: chrX-100662737-C-G.
Other names: c.155G>C, p.Cys52Ser (NM_001406747.1, NM_001406748.1, NM_001406749.1); c.301-4187C>G (NM_001199973.2); c.178-4187C>G (NM_001199974.2); short protein forms C52S.
Identifiers: ClinVar variation 4087280 (VCV004087280.4), dbSNP rs869312256.

ClinVar aggregate classification (germline): Pathogenic. Review status: criteria provided, multiple submitters, no conflicts (2 of 4 stars). 3 submissions from 3 submitters: Pathogenic (3). Last evaluated 2026-09-08.

Conditions:
Fabry disease. Also called: ALPHA-GALACTOSIDASE A DEFICIENCY; ANDERSON-FABRY DISEASE; CERAMIDE TRIHEXOSIDASE DEFICIENCY; GLA DEFICIENCY; HEREDITARY DYSTOPIC LIPIDOSIS; Angiokeratoma corporis diffusum. Identifiers: Orphanet 324, MedGen C0002986, MONDO:0010526, OMIM 301500, HP:0001071. Disease mechanism: Fabry disease is due to inactivating mutations in the X-linked GLA gene resulting in deficiency of the enzyme Alpha Galactosidase-A., loss of function.

Submissions (3):

Genomenon, Inc
Classification: Pathogenic for Fabry disease. Last evaluated: 2026-09-08. Review status: criteria provided, single submitter. Criteria: Genomenon Sequence Variant Interpretation Standards - Updated. Collection method: curation. Allele origin: germline. Affected: yes.
Comment: GLA p.Cys52Ser (c.155G>C) is a missense variant that changes the amino acid at codon 52 from Cysteine to Serine. This variant has been observed in at least one proband with clinical features consistent with Fabry disease (PMID:7531540;29631605;32583479). At least one functional study has demonstrated a substantial alteration in protein function relative to the wild-type (PMID:27657681;26044846). This variant is located in a mutational hotspot and/or important functional domain. It is absent or not present at a significant frequency in gnomAD. In silico models predict that this variant is possibly or probably damaging. In conclusion, we classify GLA p.Cys52Ser (c.155G>C) as a pathogenic variant.

Serv. Biochemistry and Molecular genetics, Hospital Clinic de Barcelona, Hospital Clínic de Barcelona
Classification: Pathogenic for Fabry disease. Last evaluated: 2026-05-21. Review status: criteria provided, single submitter. Criteria: ACMG Guidelines, 2015. Collection method: clinical testing. Allele origin: germline. Inheritance: X-linked inheritance. Affected: yes. Observed: 1 variant allele.
Comment: Classification reported in the manuscript using ACMG criteria/in silico tools: Pathogenic. Variant type: Missense; amino acid change: p.Cys52Ser. Criteria: PM1, PM2, PM5, PP2, PP3, PS1, PS4,

Labcorp Genetics (formerly Invitae), Labcorp
Classification: Pathogenic for Fabry disease. Last evaluated: 2025-08-20. Review status: criteria provided, single submitter. Criteria: Invitae Variant Classification Sherloc (09022015). Collection method: clinical testing. Allele origin: germline.
Comment: This sequence change replaces cysteine, which is neutral and slightly polar, with serine, which is neutral and polar, at codon 52 of the GLA protein (p.Cys52Ser). This variant is not present in population databases (gnomAD no frequency). This missense change has been observed in individual(s) with clinical features of Fabry disease (PMID: 7531540, 16720462; internal data). Invitae Evidence Modeling of protein sequence and biophysical properties (such as structural, functional, and spatial information, amino acid conservation, physicochemical variation, residue mobility, and thermodynamic stability) indicates that this missense variant is expected to disrupt GLA protein function with a positive predictive value of 80%. This variant disrupts the p.Cys52 amino acid residue in GLA. Other variant(s) that disrupt this residue have been determined to be pathogenic (PMID: 19941952, 23980562). This suggests that this residue is clinically significant, and that variants that disrupt this residue are likely to be disease-causing. For these reasons, this variant has been classified as Pathogenic.

Literature cited by the submitters: PubMed 7531540 (cited by 3 submitters); PubMed 29631605 (cited by Genomenon, Inc and Serv. Biochemistry and Molecular genetics, Hospital Clinic de Barcelona, Hospital Clínic de Barcelona); PubMed 32583479 (cited by Genomenon, Inc and Serv. Biochemistry and Molecular genetics, Hospital Clinic de Barcelona, Hospital Clínic de Barcelona); PubMed 27657681 (cited by Genomenon, Inc and Serv. Biochemistry and Molecular genetics, Hospital Clinic de Barcelona, Hospital Clínic de Barcelona); PubMed 26044846 (cited by Genomenon, Inc); PubMed 19346951 (cited by Serv. Biochemistry and Molecular genetics, Hospital Clinic de Barcelona, Hospital Clínic de Barcelona); PubMed 35971858 (cited by Serv. Biochemistry and Molecular genetics, Hospital Clinic de Barcelona, Hospital Clínic de Barcelona); PubMed 16720462 (cited by Labcorp Genetics (formerly Invitae), Labcorp); PubMed 19941952 (cited by Labcorp Genetics (formerly Invitae), Labcorp); PubMed 23980562 (cited by Labcorp Genetics (formerly Invitae), Labcorp).